The following is an entry in ClinVar:

ClinVar aggregate classification (germline): Uncertain significance (1 of 4 stars; one submission).

Conditions:
Wilson disease (WND). Also called: Wilson's disease. Identifiers: Orphanet 905, MedGen C0019202, MONDO:0010200, OMIM 277900. Disease mechanism: loss of function.

Submission:

All of Us Research Program, National Institutes of Health
Classification: Uncertain significance for Wilson disease. Last evaluated: 2023-12-13. Review status: criteria provided, single submitter. Criteria: ACMG Guidelines, 2015. Collection method: clinical testing. Allele origin: germline. Inheritance: Autosomal recessive inheritance. Observed: 1 variant allele, 1 heterozygote.
Comment: This missense variant replaces arginine with glycine at codon 262 of the ATP7B protein. Computational prediction suggests that this variant may not impact protein structure and function (internally defined REVEL score threshold <= 0.5, PMID: 27666373). To our knowledge, functional studies have not been reported for this variant. This variant has not been reported in individuals affected with ATP7B-related disorders in the literature. This variant has not been identified in the general population by the Genome Aggregation Database (gnomAD). The available evidence is insufficient to determine the role of this variant in disease conclusively. Therefore, this variant is classified as a Variant of Uncertain Significance.

This study involves interpretation of variants in research participants for the purpose of population health screening. Participant phenotype was not available at the time of variant classification. Additional details can be found in publication PMID: 35346344, PMCID: PMC8962531

NM_000053.4(ATP7B):c.784A>G (p.Arg262Gly)

Gene: ATP7B (ATPase copper transporting beta; minus strand). Cytogenetic location: 13q14.3.
Variant type: single nucleotide variant.
Coding change: c.784A>G on transcript NM_000053.4 (MANE Select); coding-DNA position 784, A replaced by G.
Protein change: p.Arg262Gly; replaces arginine 262 with glycine.
Molecular consequence: missense variant.
Genome position (GRCh38, 1-based): chr13:51,974,436, T>C on the plus strand (A>G on the coding strand, the complement: ATP7B is on the minus strand). VCF-style: chr13-51974436-T-C. GRCh37 (hg19) VCF-style: chr13-52548572-T-C.
Other names: c.784A>G, p.Arg262Gly (NM_001406535.1, NM_001406537.1, NM_001406538.1 and 30 more transcripts); c.688A>G, p.Arg230Gly (NM_001406536.1, NM_001406539.1, NM_001406543.1 and 4 more transcripts); short protein forms R230G, R262G.
Identifiers: ClinVar variation 3074885 (VCV003074885.1), dbSNP rs2547818630, ClinGen allele CA388041425.